The following is an entry in ClinVar:

ClinVar aggregate classification (germline): Likely pathogenic (0 of 4 stars; one submission).

Conditions:
Neuronal ceroid lipofuscinosis 1 (CLN1). Also called: CEROID LIPOFUSCINOSIS, NEURONAL, 1, VARIABLE AGE AT ONSET; PPT1-Related Neuronal Ceroid-Lipofuscinosis. Identifiers: Orphanet 228329, MedGen C1850451, MONDO:0009744, OMIM 256730.

Submission:

Juha Muilu Group; Institute for Molecular Medicine Finland (FIMM)
Classification: Likely pathogenic for Ceroid lipofuscinosis neuronal 1. Review status: no assertion criteria provided. Collection method: not provided. Allele origin: unknown.
Comment: FinDis database variant: This variant was not found or characterized by our laboratory, data were collected from public sources: see reference
ClinVar note: Converted during submission from probable-pathogenic to Likely pathogenic.

NM_000310.4(PPT1):c.544C>T (p.Gln182Ter)

Gene: PPT1 (palmitoyl-protein thioesterase 1; minus strand). Cytogenetic location: 1p34.2.
Variant type: single nucleotide variant.
Coding change: c.544C>T on transcript NM_000310.4 (MANE Select); coding-DNA position 544, C replaced by T.
Protein change: p.Gln182Ter; replaces glutamine 182 with a stop codon.
Molecular consequence: nonsense.
Genome position (GRCh38, 1-based): chr1:40,080,480, G>A on the plus strand (C>T on the coding strand, the complement: PPT1 is on the minus strand). VCF-style: chr1-40080480-G-A. GRCh37 (hg19) VCF-style: chr1-40546152-G-A.
Other names: c.235C>T, p.Gln79Ter (NM_001142604.2); c.544C>T, p.Gln182Ter (NM_001363695.2); short protein forms Q182*, Q79*.
Identifiers: ClinVar variation 56203 (VCV000056203.2), dbSNP rs386833654, ClinGen allele CA263523.